The following is an entry in ClinVar:

NM_024301.5(FKRP):c.372G>C (p.Glu124Asp)

Gene: FKRP (fukutin related protein; plus strand). Cytogenetic location: 19q13.32.
Variant type: single nucleotide variant.
Coding change: c.372G>C on transcript NM_024301.5 (MANE Select); coding-DNA position 372, G replaced by C.
Protein change: p.Glu124Asp; replaces glutamic acid 124 with aspartic acid.
Molecular consequence: missense variant.
Genome position (GRCh38, 1-based): chr19:46,755,822, G>C. VCF-style: chr19-46755822-G-C. GRCh37 (hg19) VCF-style: chr19-47259079-G-C.
Other names: c.372G>C, p.Glu124Asp (NM_001039885.3); short protein forms E124D.
Identifiers: ClinVar variation 2054954 (VCV002054954.1), dbSNP rs1348291011, ClinGen allele CA406495199.

ClinVar aggregate classification (germline): Uncertain significance (1 of 4 stars; one submission).

Conditions:
Walker-Warburg congenital muscular dystrophy. Also called: Muscular dystrophy-dystroglycanopathy, type A; Walker-Warburg syndrome. Identifiers: Orphanet 899, MedGen C0265221, MONDO:0000171.

Allele frequency attached by ClinVar (database versions not stated): gnomAD exomes below 0.00001.
gnomAD v4.1: 2 of 1,510,764 alleles (0.00013%); highest among the groups gnomAD compares: Non-Finnish European, 0.000088%; no homozygotes.

Submission:

Labcorp Genetics (formerly Invitae), Labcorp
Classification: Uncertain significance for Walker-Warburg congenital muscular dystrophy. Last evaluated: 2021-08-24. Review status: criteria provided, single submitter. Criteria: Invitae Variant Classification Sherloc (09022015). Collection method: clinical testing. Allele origin: germline.
Comment: This sequence change replaces glutamic acid with aspartic acid at codon 124 of the FKRP protein (p.Glu124Asp). The glutamic acid residue is moderately conserved and there is a small physicochemical difference between glutamic acid and aspartic acid. The frequency data for this variant in the population databases is considered unreliable, as metrics indicate insufficient coverage at this position in the ExAC database. This variant has not been reported in the literature in individuals affected with FKRP-related conditions. Algorithms developed to predict the effect of missense changes on protein structure and function are either unavailable or do not agree on the potential impact of this missense change (SIFT: "Tolerated"; PolyPhen-2: "Probably Damaging"; Align-GVGD: "Class C0"). In summary, the available evidence is currently insufficient to determine the role of this variant in disease. Therefore, it has been classified as a Variant of Uncertain Significance.